The following is an entry in ClinVar:

ClinVar aggregate classification (germline): Uncertain significance (1 of 4 stars; one submission).

Conditions:
Multiple endocrine neoplasia, type 1 (MEN1). Also called: Endocrine adenomatosis multiple; MEN 1; MEA I; MEN I; WERMER SYNDROME. Identifiers: Orphanet 652, MedGen C0025267, MeSH D018761, MONDO:0007540, OMIM 131100.

Submission:

Labcorp Genetics (formerly Invitae), Labcorp
Classification: Uncertain significance for Multiple endocrine neoplasia, type 1. Last evaluated: 2025-09-16. Review status: criteria provided, single submitter. Criteria: Invitae Variant Classification Sherloc (09022015). Collection method: clinical testing. Allele origin: germline.
Comment: This sequence change affects codon 540 of the MEN1 mRNA. It is a 'silent' change, meaning that it does not change the encoded amino acid sequence of the MEN1 protein. This variant is not present in population databases (gnomAD no frequency). This variant has not been reported in the literature in individuals affected with MEN1-related conditions. In summary, the available evidence is currently insufficient to determine the role of this variant in disease. Therefore, it has been classified as a Variant of Uncertain Significance.

NM_001370259.2(MEN1):c.1620_1621delinsGG (p.Thr541Ala)

Gene: MEN1 (menin 1; minus strand). Cytogenetic location: 11q13.1.
Variant type: Indel.
Coding change: c.1620_1621delinsGG on transcript NM_001370259.2 (MANE Select); coding-DNA positions 1620 to 1621, CA replaced by GG.
Protein change: p.Thr541Ala; replaces threonine 541 with alanine.
Molecular consequence: missense variant. On other transcripts: non-coding transcript variant (4).
Genome position (GRCh38, 1-based): chr11:64,804,546-64,804,547, TG replaced by CC on the plus strand (CA replaced by GG on the coding strand, the reverse complement: MEN1 is on the minus strand). VCF-style: chr11-64804546-TG-CC. GRCh37 (hg19) VCF-style: chr11-64572018-TG-CC.
Other names: c.1635_1636delinsGG, p.Thr546Ala (NM_000244.4, NM_001407145.1, NM_130800.3 and 4 more transcripts); c.1746_1747delinsGG, p.Thr583Ala (NM_001370251.2, NM_001407142.1, NM_001407143.1 and 1 more transcripts); c.1620_1621delinsGG, p.Thr541Ala (NM_001370260.2, NM_001370261.2, NM_001407146.1 and 2 more transcripts); c.1515_1516delinsGG, p.Thr506Ala (NM_001370262.2, NM_001370263.2, NM_001407148.1 and 1 more transcripts); c.1761_1762delinsGG, p.Thr588Ala (NM_001407150.1); c.1641_1642delinsGG, p.Thr548Ala (NM_001407151.1); c.1455_1456delinsGG, p.Thr486Ala (NM_001407152.1); short protein forms T541A, T486A, T506A, T583A, T546A, T548A, T588A.
Identifiers: ClinVar variation 4727280 (VCV004727280.1).
Genomic context (GRCh38, chr11:64,804,546, plus strand): 5'-TGCCCTTCATCTTCTCACTCTGGAAAGTGAGCACTGGACCCTCCGGCGGTGGTGATGCTG[TG>CC]GGTGCTGGCACCTGAGCCGTGCTGCCACCTTCAGGGCCTCGGGCTGTGCCAGCGACAGTC-3'
Protein context (NP_001357188.2, residues 531-551): GGSTAQVPAP[Thr541Ala]ASPPPEGPVL